The following is an entry in ClinVar:

ClinVar aggregate classification (germline): Likely benign. Review status: criteria provided, multiple submitters, no conflicts (2 of 4 stars). 3 submissions from 3 submitters: Likely benign (3). Last evaluated 2026-01-11.

Conditions:
Duchenne muscular dystrophy (DMD). Also called: MUSCULAR DYSTROPHY, PSEUDOHYPERTROPHIC PROGRESSIVE, DUCHENNE TYPE; Duchenne Muscular Dystrophy (DMD). Identifiers: Orphanet 98896, MedGen C0013264, MONDO:0010679, OMIM 310200.

Allele frequency attached by ClinVar (database versions not stated): gnomAD exomes 0.00001 and 0.00005; gnomAD 0.00002 and 0.00005; TOPMed 0.00006; ESP Exome Variant Server 0.00009.
gnomAD v4.1: 70 of 1,179,405 alleles (0.0059%); highest among the groups gnomAD compares: Non-Finnish European, 0.0063%; no homozygotes.

Submissions (3):

Labcorp Genetics (formerly Invitae), Labcorp
Classification: Likely benign for Duchenne muscular dystrophy. Last evaluated: 2026-01-11. Review status: criteria provided, single submitter. Criteria: Invitae Variant Classification Sherloc (09022015). Collection method: clinical testing. Allele origin: germline.

Women's Health and Genetics/Laboratory Corporation of America, LabCorp
Classification: Likely benign. Last evaluated: 2021-08-18. Review status: criteria provided, single submitter. Criteria: LabCorp Variant Classification Summary - May 2015. Collection method: clinical testing. Allele origin: germline.
Comment: Variant summary: DMD c.1603-11C>T alters a non-conserved nucleotide located close to a canonical splice site and therefore could affect mRNA splicing, leading to a significantly altered protein sequence. 4/4 computational tools predict no significant impact on normal splicing. However, these predictions have yet to be confirmed by functional studies. The variant allele was found at a frequency of 2.8e-05 in 285294 control chromosomes in the gnomAD database (v2.1 and v3.1 datasets). The variant was predominantly reported within the Non-Finnish European subpopulation at a frequency of 0.00015, including 2 hemizygotes. This frequency is higher than the maximum expected for a pathogenic variant in DMD causing Dystrophinopathies phenotype (1.1e-05), suggesting that the variant is a benign polymorphism. To our knowledge, no occurrence of c.1603-11C>T in individuals affected with Dystrophinopathies and no experimental evidence demonstrating its impact on protein function have been reported. One clinical diagnostic laboratory has submitted clinical-significance assessments for this variant to ClinVar after 2014, and classified the variant as likely benign. Based on the evidence outlined above, the variant was classified as likely benign.

GeneDx
Classification: Likely benign. Last evaluated: 2016-08-10. Review status: criteria provided, single submitter. Criteria: GeneDx Variant Classification (06012015). Collection method: clinical testing. Allele origin: germline. Affected: yes.
Comment: This variant is considered likely benign or benign based on one or more of the following criteria: it is a conservative change, it occurs at a poorly conserved position in the protein, it is predicted to be benign by multiple in silico algorithms, and/or has population frequency not consistent with disease.

Literature cited by the submitters: PubMed 26743743 (cited by Women's Health and Genetics/Laboratory Corporation of America, LabCorp).

NM_004006.3(DMD):c.1603-11C>T

Gene: DMD (dystrophin; minus strand). Cytogenetic location: Xp21.1.
Variant type: single nucleotide variant.
Coding change: c.1603-11C>T on transcript NM_004006.3 (MANE Select); 11 bases into the intron before coding-DNA position 1603, C replaced by T.
Molecular consequence: intron variant.
Genome position (GRCh38, 1-based): chrX:32,573,857, G>A on the plus strand (C>T on the coding strand, the complement: DMD is on the minus strand). VCF-style: chrX-32573857-G-A. GRCh37 (hg19) VCF-style: chrX-32591974-G-A.
Other names: c.1579-11C>T (NM_000109.4); c.1591-11C>T (NM_004009.3); c.1234-11C>T (NM_004010.3).
Identifiers: ClinVar variation 388356 (VCV000388356.10), dbSNP rs370463654, ClinGen allele CA16608451.